The following is an entry in ClinVar:

NM_014014.5(SNRNP200):c.1708A>G (p.Thr570Ala)

Gene: SNRNP200 (small nuclear ribonucleoprotein U5 subunit 200; minus strand). Cytogenetic location: 2q11.2.
Variant type: single nucleotide variant.
Coding change: c.1708A>G on transcript NM_014014.5 (MANE Select); coding-DNA position 1708, A replaced by G.
Protein change: p.Thr570Ala; replaces threonine 570 with alanine.
Molecular consequence: missense variant.
Genome position (GRCh38, 1-based): chr2:96,295,622, T>C on the plus strand (A>G on the coding strand, the complement: SNRNP200 is on the minus strand). VCF-style: chr2-96295622-T-C. GRCh37 (hg19) VCF-style: chr2-96961360-T-C.
Other names: short protein forms T570A.
Identifiers: ClinVar variation 1393695 (VCV001393695.6), dbSNP rs2104355425, ClinGen allele CA347681102.

ClinVar aggregate classification (germline): Uncertain significance (1 of 4 stars; one submission).

Submission:

Labcorp Genetics (formerly Invitae), Labcorp
Classification: Uncertain significance. Last evaluated: 2022-12-02. Review status: criteria provided, single submitter. Criteria: Invitae Variant Classification Sherloc (09022015). Collection method: clinical testing. Allele origin: germline.
Comment: In summary, the available evidence is currently insufficient to determine the role of this variant in disease. Therefore, it has been classified as a Variant of Uncertain Significance. Advanced modeling of protein sequence and biophysical properties (such as structural, functional, and spatial information, amino acid conservation, physicochemical variation, residue mobility, and thermodynamic stability) performed at Invitae indicates that this missense variant is expected to disrupt SNRNP200 protein function. ClinVar contains an entry for this variant (Variation ID: 1393695). This variant has not been reported in the literature in individuals affected with SNRNP200-related conditions. This variant is not present in population databases (gnomAD no frequency). This sequence change replaces threonine, which is neutral and polar, with alanine, which is neutral and non-polar, at codon 570 of the SNRNP200 protein (p.Thr570Ala).